The following is an entry in ClinVar:

NM_000091.5(COL4A3):c.2434G>A (p.Gly812Ser)

Genes: COL4A3 (collagen type IV alpha 3 chain; plus strand), MFF-DT (MFF divergent transcript; minus strand). Cytogenetic location: 2q36.3.
Variant type: single nucleotide variant.
Coding change: c.2434G>A on transcript NM_000091.5 (MANE Select); coding-DNA position 2434, G replaced by A.
Protein change: p.Gly812Ser; replaces glycine 812 with serine.
Molecular consequence: missense variant.
Genome position (GRCh38, 1-based): chr2:227,280,952, G>A. VCF-style: chr2-227280952-G-A. GRCh37 (hg19) VCF-style: chr2-228145668-G-A.
Other names: short protein forms G812S.
Identifiers: ClinVar variation 2146778 (VCV002146778.6), dbSNP rs774838919, ClinGen allele CA2146931.

ClinVar aggregate classification (germline): Uncertain significance. Review status: criteria provided, multiple submitters, no conflicts (2 of 4 stars). 5 submissions from 5 submitters: Uncertain significance (5). Last evaluated 2026-03-27.

Conditions:
COL4A3-related disorder. Also called: COL4A3-related condition; COL4A3-Related Disorders.
Autosomal dominant Alport syndrome (ATS3A). Also called: Alport syndrome dominant type; Renal failure and sensorineural hearing loss; ALPORT SYNDROME 3A, AUTOSOMAL DOMINANT. Identifiers: Orphanet 63, Orphanet 88918, MedGen C5882663, MONDO:0007086, OMIM 104200.
Hematuria, benign familial, 2 (BFH2). Identifiers: MedGen C5830421, MONDO:0958186, OMIM 620320.
Alport syndrome 3b, autosomal recessive. Identifiers: MedGen C5882699, MONDO:0957811, OMIM 620536.

Allele frequency attached by ClinVar (database versions not stated): ExAC 0.00004.
gnomAD v4.1: 61 of 1,568,438 alleles (0.0039%); highest among the groups gnomAD compares: Admixed American, 0.013%; no homozygotes.

Submissions (5):

GeneDx
Classification: Uncertain significance. Last evaluated: 2026-03-27. Review status: criteria provided, single submitter. Criteria: GeneDx Variant Classification Process June 2021. Collection method: clinical testing. Allele origin: germline.
Comment: In silico analysis supports that this missense variant has a deleterious effect on protein structure/function; Affects a glycine residue in a Gly-X-Y motif in the triple helical region of the COL4A3 gene.; Has not been previously published as pathogenic or benign to our knowledge

PreventionGenetics, part of Exact Sciences
Classification: Uncertain significance for COL4A3-related condition. Last evaluated: 2026-03-10. Review status: criteria provided, single submitter. Criteria: ACMG Guidelines, 2015. Collection method: clinical testing. Allele origin: germline.
Comment: The COL4A3 c.2434G>A variant is predicted to result in the amino acid substitution p.Gly812Ser. This variant has been reported in a study of the genetic and phenotypic spectrum of Alport syndrome (Table S7, Krüger et al. 2025. PubMed ID: 40485705). This variant was also evaluated in a prevalence estimate study of predicted pathogenic COL4A3–COL4A5 variants in sequencing databases of populations (Suppl Table 4 and 9, Gibson et al. 2021. PubMed ID: 34400539). This variant occurs at the conserved triple helical domain (residues 43-1438) of the COL4A3 protein, where substitutions of the glycine (Gly) residue are usually pathogenic (Hudson et al. 1993. PubMed ID: 8253711). However, this variant is located at the non-typical continuous Gly-X-Y repeat region within this domain. This variant has been classified as a variant of uncertain significance (VUS) in ClinVar by multiple major commercial clinical laboratories (Variation ID: 2146778). This variant is reported in 0.014% of alleles in individuals of Latino descent in gnomAD. Although we suspect that this variant may be pathogenic, at this time, the clinical significance of this variant is uncertain due to the absence of conclusive functional and genetic evidence.

Fulgent Genetics
Classification: Uncertain significance for Autosomal dominant Alport syndrome; Hematuria, benign familial, 2; Alport syndrome 3b, autosomal recessive. Last evaluated: 2024-06-04. Review status: criteria provided, single submitter. Criteria: ACMG Guidelines, 2015. Collection method: clinical testing. Allele origin: germline.

Women's Health and Genetics/Laboratory Corporation of America, LabCorp
Classification: Uncertain significance. Last evaluated: 2024-01-12. Review status: criteria provided, single submitter. Criteria: LabCorp Variant Classification Summary - May 2015. Collection method: clinical testing. Allele origin: germline.
Comment: Variant summary: COL4A3 c.2434G>A (p.Gly812Ser) results in a non-conservative amino acid change in the encoded protein sequence. Three of five in-silico tools predict a damaging effect of the variant on protein function. The variant allele was found at a frequency of 5.6e-05 in 178112 control chromosomes. This frequency is not significantly higher than estimated for a pathogenic variant in COL4A3 causing Alport Syndrome, Autosomal Recessive (5.6e-05 vs 0.0014), allowing no conclusion about variant significance. To our knowledge, no occurrence of c.2434G>A in individuals affected with Alport Syndrome, Autosomal Recessive and no experimental evidence demonstrating its impact on protein function have been reported. ClinVar contains an entry for this variant (Variation ID: 2146778). Gly812 is located at non-collagenous boundary, thus the effect of Gly812Ser is not clear (PMID 34400539). Based on the evidence outlined above, the variant was classified as VUS.

Labcorp Genetics (formerly Invitae), Labcorp
Classification: Uncertain significance. Last evaluated: 2022-10-17. Review status: criteria provided, single submitter. Criteria: Invitae Variant Classification Sherloc (09022015). Collection method: clinical testing. Allele origin: germline.
Comment: This sequence change replaces glycine, which is neutral and non-polar, with serine, which is neutral and polar, at codon 812 of the COL4A3 protein (p.Gly812Ser). The frequency data for this variant in the population databases is considered unreliable, as metrics indicate poor data quality at this position in the gnomAD database. This variant has not been reported in the literature in individuals affected with COL4A3-related conditions. Algorithms developed to predict the effect of missense changes on protein structure and function output the following: SIFT: "Tolerated"; PolyPhen-2: "Not Available"; Align-GVGD: "Class C0". The serine amino acid residue is found in multiple mammalian species, which suggests that this missense change does not adversely affect protein function. In summary, the available evidence is currently insufficient to determine the role of this variant in disease. Therefore, it has been classified as a Variant of Uncertain Significance.

Literature cited by the submitters: PubMed 35177655 (cited by Women's Health and Genetics/Laboratory Corporation of America, LabCorp).